The following is an entry in ClinVar:

ClinVar aggregate classification (germline): Likely benign. Review status: criteria provided, multiple submitters, no conflicts (2 of 4 stars). 2 submissions from 2 submitters: Likely benign (2). Last evaluated 2026-02-18.

Conditions:
Distal hereditary motor neuropathy type 2. Identifiers: Orphanet 139525, MedGen C3711384, MeSH C580044, MONDO:0015352.
FBXO38-related disorder. Also called: FBXO38-related condition.

Allele frequency attached by ClinVar (database versions not stated): gnomAD exomes 0.00001 and 0.00003.
gnomAD v4.1: 43 of 1,612,934 alleles (0.0027%); highest among the groups gnomAD compares: Non-Finnish European, 0.0035%; no homozygotes.

Submissions (2):

PreventionGenetics, part of Exact Sciences
Classification: Likely benign for FBXO38-related condition. Last evaluated: 2026-02-18. Review status: criteria provided, single submitter. Criteria: ACMG Guidelines, 2015. Collection method: clinical testing. Allele origin: germline.
Comment: This variant is classified as likely benign based on ACMG/AMP sequence variant interpretation guidelines (Richards et al. 2015 PMID: 25741868, with internal and published modifications).

Labcorp Genetics (formerly Invitae), Labcorp
Classification: Likely benign for Distal hereditary motor neuropathy type 2. Last evaluated: 2024-10-31. Review status: criteria provided, single submitter. Criteria: Invitae Variant Classification Sherloc (09022015). Collection method: clinical testing. Allele origin: germline.

NM_205836.3(FBXO38):c.1191A>G (p.Glu397=)

Gene: FBXO38 (F-box protein 38; plus strand). Cytogenetic location: 5q32.
Variant type: single nucleotide variant.
Coding change: c.1191A>G on transcript NM_205836.3 (MANE Select); coding-DNA position 1191, A replaced by G.
Protein change: p.Glu397=; no amino-acid change (glutamic acid 397 retained).
Molecular consequence: synonymous variant.
Genome position (GRCh38, 1-based): chr5:148,414,233, A>G. VCF-style: chr5-148414233-A-G. GRCh37 (hg19) VCF-style: chr5-147793796-A-G.
Other names: c.1191A>G, p.Glu397= (NM_001271723.2, NM_030793.5).
Identifiers: ClinVar variation 747574 (VCV000747574.9), dbSNP rs764041718, ClinGen allele CA128975668.